The following is an entry in ClinVar:

ClinVar aggregate classification (germline): Uncertain significance. Review status: criteria provided, multiple submitters, no conflicts (2 of 4 stars). 5 submissions from 5 submitters: Uncertain significance (4). 1 of the submissions does not count toward it. Last evaluated 2025-09-24.

Conditions:
Wilson disease (WND). Also called: Wilson's disease. Identifiers: Orphanet 905, MedGen C0019202, MONDO:0010200, OMIM 277900. Disease mechanism: loss of function.

Allele frequency attached by ClinVar (database versions not stated): ExAC 0.00002; gnomAD 0.00002 and 0.00003; gnomAD exomes 0.00002 and 0.00005; TOPMed 0.00002; 1000 Genomes Project 30x 0.00016; 1000 Genomes Project 0.00020.
gnomAD v4.1: 41 of 1,613,818 alleles (0.0025%); highest among the groups gnomAD compares: Admixed American, 0.015%; no homozygotes.

Submissions (5):

Color Diagnostics, LLC DBA Color Health
Classification: Uncertain significance for Wilson disease. Last evaluated: 2025-09-24. Review status: criteria provided, single submitter. Criteria: ACMG Guidelines, 2015. Collection method: clinical testing. Allele origin: germline.
Comment: This missense variant replaces threonine with alanine at codon 433 of the ATP7B protein. Computational prediction suggests that this variant may not impact protein structure and function. To our knowledge, functional studies have not been reported for this variant. This variant has not been reported in individuals affected with ATP7B-related disorders in the literature. This variant has not been identified in the general population by the Genome Aggregation Database (gnomAD). The available evidence is insufficient to determine the role of this variant in disease conclusively. Therefore, this variant is classified as a Variant of Uncertain Significance.

All of Us Research Program, National Institutes of Health
Classification: Uncertain significance for Wilson disease. Last evaluated: 2024-07-20. Review status: criteria provided, single submitter. Criteria: ACMG Guidelines, 2015. Collection method: clinical testing. Allele origin: germline. Inheritance: Autosomal recessive inheritance. Observed: 10 variant alleles, 10 heterozygotes.
Comment: This missense variant replaces threonine with alanine at codon 433 of the ATP7B protein. Computational prediction suggests that this variant may not impact protein structure and function (internally defined REVEL score threshold <= 0.5, PMID: 27666373). To our knowledge, functional studies have not been reported for this variant. This variant has not been reported in individuals affected with ATP7B-related disorders in the literature. This variant has been identified in 13/279776 chromosomes in the general population by the Genome Aggregation Database (gnomAD). The available evidence is insufficient to determine the role of this variant in disease conclusively. Therefore, this variant is classified as a Variant of Uncertain Significance.

This study involves interpretation of variants in research participants for the purpose of population health screening. Participant phenotype was not available at the time of variant classification. Additional details can be found in publication PMID: 35346344, PMCID: PMC8962531

Labcorp Genetics (formerly Invitae), Labcorp
Classification: Uncertain significance for Wilson disease. Last evaluated: 2022-06-22. Review status: criteria provided, single submitter. Criteria: Invitae Variant Classification Sherloc (09022015). Collection method: clinical testing. Allele origin: germline.
Comment: This sequence change replaces threonine, which is neutral and polar, with alanine, which is neutral and non-polar, at codon 433 of the ATP7B protein (p.Thr433Ala). This variant is present in population databases (rs532864884, gnomAD 0.02%). This variant has not been reported in the literature in individuals affected with ATP7B-related conditions. ClinVar contains an entry for this variant (Variation ID: 860062). Advanced modeling of protein sequence and biophysical properties (such as structural, functional, and spatial information, amino acid conservation, physicochemical variation, residue mobility, and thermodynamic stability) performed at Invitae indicates that this missense variant is not expected to disrupt ATP7B protein function. In summary, the available evidence is currently insufficient to determine the role of this variant in disease. Therefore, it has been classified as a Variant of Uncertain Significance.

Fulgent Genetics
Classification: Uncertain significance for Wilson disease. Last evaluated: 2021-10-26. Review status: criteria provided, single submitter. Criteria: ACMG Guidelines, 2015. Collection method: clinical testing. Allele origin: unknown.

Natera, Inc.
Classification: Uncertain significance for Wilson disease. Last evaluated: 2020-03-17. Review status: no assertion criteria provided. Collection method: clinical testing. Allele origin: germline. Not counted in ClinVar's aggregate classification.

NM_000053.4(ATP7B):c.1297A>G (p.Thr433Ala)

Gene: ATP7B (ATPase copper transporting beta; minus strand). Cytogenetic location: 13q14.3.
Variant type: single nucleotide variant.
Coding change: c.1297A>G on transcript NM_000053.4 (MANE Select); coding-DNA position 1297, A replaced by G.
Protein change: p.Thr433Ala; replaces threonine 433 with alanine.
Molecular consequence: missense variant.
Genome position (GRCh38, 1-based): chr13:51,970,738, T>C on the plus strand (A>G on the coding strand, the complement: ATP7B is on the minus strand). VCF-style: chr13-51970738-T-C. GRCh37 (hg19) VCF-style: chr13-52544874-T-C.
Other names: c.1297A>G, p.Thr433Ala (NM_001005918.3, NM_001330578.2, NM_001330579.2); c.964A>G, p.Thr322Ala (NM_001243182.2); short protein forms T433A, T322A.
Identifiers: ClinVar variation 860062 (VCV000860062.8), dbSNP rs532864884, ClinGen allele CA6989381.